The following is an entry in ClinVar:

NM_001371596.2(MFSD8):c.553+151C>G

Gene: MFSD8 (major facilitator superfamily domain containing 8; minus strand). Cytogenetic location: 4q28.2.
Variant type: single nucleotide variant.
Coding change: c.553+151C>G on transcript NM_001371596.2 (MANE Select); 151 bases into the intron after coding-DNA position 553, C replaced by G.
Molecular consequence: intron variant.
Genome position (GRCh38, 1-based): chr4:127,941,894, G>C on the plus strand (C>G on the coding strand, the complement: MFSD8 is on the minus strand). VCF-style: chr4-127941894-G-C. GRCh37 (hg19) VCF-style: chr4-128863049-G-C.
Other names: c.418+151C>G (NM_001371595.1, NM_001371590.2); c.304+1858C>G (NM_001410765.1); c.553+151C>G (NM_152778.4, NM_001363520.3, NM_001371594.2 and 1 more transcripts); c.439+1858C>G (NM_001363521.3, NM_001410766.1, NM_001371593.2); c.559+145C>G (NM_001371592.2).
Identifiers: ClinVar variation 674468 (VCV000674468.3), dbSNP rs59117993, ClinGen allele CA15328104.

ClinVar aggregate classification (germline): Benign (1 of 4 stars; one submission).

Allele frequency attached by ClinVar (database versions not stated): TOPMed 0.03265; gnomAD exomes 0.03777; 1000 Genomes Project 30x 0.06543; 1000 Genomes Project 0.06909.
gnomAD v4.1: 23,027 of 647,980 alleles (3.6%); highest among the groups gnomAD compares: East Asian, 27%; 1,779 homozygotes.

Submission:

GeneDx
Classification: Benign. Last evaluated: 2018-06-14. Review status: criteria provided, single submitter. Criteria: GeneDx Variant Classification (06012015). Collection method: clinical testing. Allele origin: germline. Affected: yes.
Comment: This variant is considered likely benign or benign based on one or more of the following criteria: it is a conservative change, it occurs at a poorly conserved position in the protein, it is predicted to be benign by multiple in silico algorithms, and/or has population frequency not consistent with disease.